The following is an entry in ClinVar:

ClinVar aggregate classification (germline): Uncertain significance (1 of 4 stars; one submission).

Conditions:
Inborn genetic diseases. Identifiers: MedGen C0950123, MeSH D030342.

gnomAD v4.1: 1 of 1,613,906 alleles (0.000062%); no homozygotes.

Submission:

Ambry Genetics
Classification: Uncertain significance for Inborn genetic diseases. Last evaluated: 2021-09-05. Review status: criteria provided, single submitter. Criteria: Ambry Variant Classification Scheme 2023. Collection method: clinical testing. Allele origin: germline.
Comment: The p.V760I variant (also known as c.2278G>A), located in coding exon 14 of the EPAS1 gene, results from a G to A substitution at nucleotide position 2278. The valine at codon 760 is replaced by isoleucine, an amino acid with highly similar properties. This amino acid position is conserved. In addition, this alteration is predicted to be tolerated by in silico analysis. Since supporting evidence is limited at this time, the clinical significance of this alteration remains unclear.

NM_001430.5(EPAS1):c.2278G>A (p.Val760Ile)

Gene: EPAS1 (endothelial PAS domain protein 1; plus strand). Cytogenetic location: 2p21.
Variant type: single nucleotide variant.
Coding change: c.2278G>A on transcript NM_001430.5 (MANE Select); coding-DNA position 2278, G replaced by A.
Protein change: p.Val760Ile; replaces valine 760 with isoleucine.
Molecular consequence: missense variant.
Genome position (GRCh38, 1-based): chr2:46,382,080, G>A. VCF-style: chr2-46382080-G-A. GRCh37 (hg19) VCF-style: chr2-46609219-G-A.
Other names: short protein forms V760I.
Identifiers: ClinVar variation 1788888 (VCV001788888.2), dbSNP rs2546480228, ClinGen allele CA346705912.